The following is an entry in ClinVar:

ClinVar aggregate classification (germline): Conflicting classifications of pathogenicity. Review status: criteria provided, conflicting classifications (1 of 4 stars). 8 submissions from 8 submitters: Uncertain significance (4); Benign (1). 3 of the submissions do not count toward it. Last evaluated 2026-01-25.

Conditions:
VPS13B-related disorder. Also called: VPS13B-related condition.
Cohen syndrome (COH1). Also called: PEPPER SYNDROME; Cutis verticis gyrata, retinitis pigmentosa, and sensorineural deafness. Identifiers: Orphanet 193, MedGen C0265223, MONDO:0008999, OMIM 216550.

Allele frequency attached by ClinVar (database versions not stated): gnomAD exomes 0.00006 and 0.00014; ExAC 0.00010; gnomAD 0.00011 and 0.00012; TOPMed 0.00014; ESP Exome Variant Server 0.00015.
gnomAD v4.1: 117 of 1,613,464 alleles (0.0073%); highest among the groups gnomAD compares: Admixed American, 0.038%; no homozygotes.

Submissions (8):

Labcorp Genetics (formerly Invitae), Labcorp
Classification: Benign for Cohen syndrome. Last evaluated: 2026-01-25. Review status: criteria provided, single submitter. Criteria: Invitae Variant Classification Sherloc (09022015). Collection method: clinical testing. Allele origin: germline.

Blueprint Genetics
Classification: Uncertain significance. Last evaluated: 2024-08-28. Review status: criteria provided, single submitter. Criteria: ACMG Guidelines, 2015. Collection method: clinical testing. Allele origin: germline.

Fulgent Genetics
Classification: Uncertain significance for Cohen syndrome. Last evaluated: 2024-01-19. Review status: criteria provided, single submitter. Criteria: ACMG Guidelines, 2015. Collection method: clinical testing. Allele origin: germline.

Mayo Clinic Laboratories, Mayo Clinic
Classification: Uncertain significance. Last evaluated: 2019-10-21. Review status: criteria provided, single submitter. Criteria: ACMG Guidelines, 2015. Collection method: clinical testing. Allele origin: germline. Observed: 1 variant allele.

Genetic Services Laboratory, University of Chicago
Classification: Uncertain significance. Last evaluated: 2018-06-12. Review status: criteria provided, single submitter. Criteria: ACMG Guidelines, 2015. Collection method: clinical testing. Allele origin: germline. Affected: no.

PreventionGenetics, part of Exact Sciences
Classification: Likely benign for VPS13B-related condition. Last evaluated: 2022-06-13. Review status: no assertion criteria provided. Collection method: clinical testing. Allele origin: germline. Not counted in ClinVar's aggregate classification.
Comment: This variant is classified as likely benign based on ACMG/AMP sequence variant interpretation guidelines (Richards et al. 2015 PMID: 25741868, with internal and published modifications).

Natera, Inc.
Classification: Likely benign for Cohen syndrome. Last evaluated: 2019-11-11. Review status: no assertion criteria provided. Collection method: clinical testing. Allele origin: germline. Not counted in ClinVar's aggregate classification.

Department of Pathology and Laboratory Medicine, Sinai Health System
Classification: Uncertain significance. Review status: no assertion criteria provided. Collection method: clinical testing. Allele origin: unknown. Affected: yes. Study: The Canadian Open Genetics Repository (COGR). Not counted in ClinVar's aggregate classification.
Comment: The VPS13B p.Val1987Leu variant was not identified in the literature nor was it identified in Cosmic or LOVD 3.0. The variant was identified in dbSNP (ID: rs375399419) and in ClinVar (classified as a VUS by Invitae for Cohen syndrome). The variant was also identified in control databases in 34 of 250242 chromosomes at a frequency of 0.000136 (Genome Aggregation Database Feb 27, 2017). The variant was observed in the following populations: Ashkenazi Jewish in 17 of 10060 chromosomes (freq: 0.00169), Latino in 9 of 34420 chromosomes (freq: 0.000262), Other in 1 of 6094 chromosomes (freq: 0.000164) and European (non-Finnish) in 7 of 113206 chromosomes (freq: 0.000062); it was not observed in the African, East Asian, European (Finnish) and South Asian populations. The variant occurs outside of the splicing consensus sequence and 3 of 4 in silico or computational prediction software programs (SpliceSiteFinder, NNSPLICE, GeneSplicer) do not predict a difference in splicing. The p.Val1987 residue is conserved in mammals but not more distantly related organisms and computational analyses (PolyPhen-2, SIFT, AlignGVGD, BLOSUM, MutationTaster) provide inconsistent predictions regarding the impact to the protein; this information is not very predictive of pathogenicity. In summary, based on the above information the clinical significance of this variant cannot be determined with certainty at this time. This variant is classified as a variant of uncertain significance.

NM_152564.5(VPS13B):c.5884G>T (p.Val1962Leu)

Gene: VPS13B (vacuolar protein sorting 13 homolog B; plus strand). Cytogenetic location: 8q22.2.
Variant type: single nucleotide variant.
Coding change: c.5884G>T on transcript NM_152564.5 (MANE Select); coding-DNA position 5884, G replaced by T.
Protein change: p.Val1962Leu; replaces valine 1962 with leucine.
Molecular consequence: missense variant.
Genome position (GRCh38, 1-based): chr8:99,642,474, G>T. VCF-style: chr8-99642474-G-T. GRCh37 (hg19) VCF-style: chr8-100654702-G-T.
Other names: c.5959G>T, p.Val1987Leu (NM_017890.5); c.5884G>T (NM_152564.4); short protein forms V1962L, V1987L.
Identifiers: ClinVar variation 528838 (VCV000528838.22), dbSNP rs375399419, ClinGen allele CA4823884.
Genomic context (GRCh38, chr8:99,642,474, plus strand): 5'-AGTTGTCACCACAGAAAGCAGCGAGTGGAAGTATCCATTTTTGATGCTGTGCTTAAAGGG[G>T]TGGCCTCTGATTACAAATGTATAGGTAAGAACCTTCAAACTTACTGGAGTGCTAATAATT-3'
Protein context (NP_689777.3, residues 1952-1972): VSIFDAVLKG[Val1962Leu]ASDYKCIDPG